The following is an entry in ClinVar:

ClinVar aggregate classification (germline): Likely benign (0 of 4 stars; one submission).

Conditions:
PTPRS-related disorder. Also called: PTPRS-related condition.

Allele frequency attached by ClinVar (database versions not stated): gnomAD 0.00003; TOPMed 0.00003.
gnomAD v4.1: 7 of 1,613,362 alleles (0.00043%); highest among the groups gnomAD compares: African/African-American, 0.0093%; no homozygotes.

Submission:

PreventionGenetics, part of Exact Sciences
Classification: Likely benign for PTPRS-related condition. Last evaluated: 2020-05-11. Review status: no assertion criteria provided. Collection method: clinical testing. Allele origin: germline.
Comment: This variant is classified as likely benign based on ACMG/AMP sequence variant interpretation guidelines (Richards et al. 2015 PMID: 25741868, with internal and published modifications).

NM_002850.4(PTPRS):c.1767G>A (p.Glu589=)

Gene: PTPRS (protein tyrosine phosphatase receptor type S; minus strand). Cytogenetic location: 19p13.3.
Variant type: single nucleotide variant.
Coding change: c.1767G>A on transcript NM_002850.4 (MANE Select); coding-DNA position 1767, G replaced by A.
Protein change: p.Glu589=; no amino-acid change (glutamic acid 589 retained).
Molecular consequence: synonymous variant.
Genome position (GRCh38, 1-based): chr19:5,239,001, C>T on the plus strand (G>A on the coding strand, the complement: PTPRS is on the minus strand). VCF-style: chr19-5239001-C-T. GRCh37 (hg19) VCF-style: chr19-5239012-C-T.
Other names: c.1728G>A, p.Glu576= (NM_001394011.1, NM_001394012.1, NM_001394013.1 and 2 more transcripts); c.1740G>A, p.Glu580= (NM_130855.3).
Identifiers: ClinVar variation 3055123 (VCV003055123.2), dbSNP rs1212524728, ClinGen allele CA505055736.
Genomic context (GRCh38, chr19:5,239,001, plus strand): 5'-CACCACGGGGGTGAAGGCGCCCAGGCCCTGCGGCGAGCGGGCCGCCAGGCGGAAGGCGTA[C>T]TCCGTGTTGGGCTTCAGGTCCTCCACCACGTAGGAAGTCGTCGGGTCGAAGGTCCTTCCC-3'
Protein context (NP_002841.3, residues 579-599): YVVEDLKPNT[Glu589=]YAFRLAARSP